The following is an entry in ClinVar:

ClinVar aggregate classification (germline): Uncertain significance (1 of 4 stars; one submission).

Conditions:
EGFR-related lung cancer (EGFR). Identifiers: MedGen CN130014.

Submission:

Labcorp Genetics (formerly Invitae), Labcorp
Classification: Uncertain significance for EGFR-related lung cancer. Last evaluated: 2021-10-15. Review status: criteria provided, single submitter. Criteria: Invitae Variant Classification Sherloc (09022015). Collection method: clinical testing. Allele origin: germline.
Comment: In summary, the available evidence is currently insufficient to determine the role of this variant in disease. Therefore, it has been classified as a Variant of Uncertain Significance. Algorithms developed to predict the effect of missense changes on protein structure and function are either unavailable or do not agree on the potential impact of this missense change (SIFT: "Deleterious"; PolyPhen-2: "Probably Damaging"; Align-GVGD: "Class C0"). This variant has not been reported in the literature in individuals affected with EGFR-related conditions. This variant is not present in population databases (ExAC no frequency). This sequence change replaces valine with leucine at codon 902 of the EGFR protein (p.Val902Leu). The valine residue is highly conserved and there is a small physicochemical difference between valine and leucine.

NM_005228.5(EGFR):c.2704G>C (p.Val902Leu)

Gene: EGFR (epidermal growth factor receptor; plus strand). Cytogenetic location: 7p11.2.
Variant type: single nucleotide variant.
Coding change: c.2704G>C on transcript NM_005228.5 (MANE Select); coding-DNA position 2704, G replaced by C.
Protein change: p.Val902Leu; replaces valine 902 with leucine.
Molecular consequence: missense variant.
Genome position (GRCh38, 1-based): chr7:55,198,719, G>C. VCF-style: chr7-55198719-G-C. GRCh37 (hg19) VCF-style: chr7-55266412-G-C.
Other names: c.2569G>C, p.Val857Leu (NM_001346897.2, NM_001346899.2); c.2704G>C, p.Val902Leu (NM_001346898.2); c.2545G>C, p.Val849Leu (NM_001346900.2); c.1903G>C, p.Val635Leu (NM_001346941.2); short protein forms V635L, V902L, V857L, V849L.
Identifiers: ClinVar variation 1421319 (VCV001421319.6), dbSNP rs779015469, ClinGen allele CA367581172.